The following is an entry in ClinVar:

NM_003322.6(TULP1):c.1389C>A (p.Asn463Lys)

Gene: TULP1 (TUB like protein 1; minus strand). Cytogenetic location: 6p21.31.
Variant type: single nucleotide variant.
Coding change: c.1389C>A on transcript NM_003322.6 (MANE Select); coding-DNA position 1389, C replaced by A.
Protein change: p.Asn463Lys; replaces asparagine 463 with lysine.
Molecular consequence: missense variant.
Genome position (GRCh38, 1-based): chr6:35,500,087, G>T on the plus strand (C>A on the coding strand, the complement: TULP1 is on the minus strand). VCF-style: chr6-35500087-G-T. GRCh37 (hg19) VCF-style: chr6-35467864-G-T.
Other names: c.1230C>A, p.Asn410Lys (NM_001289395.2); short protein forms N410K, N463K.
Identifiers: ClinVar variation 1497549 (VCV001497549.5), dbSNP rs775196326, ClinGen allele CA363778843.

ClinVar aggregate classification (germline): Uncertain significance (1 of 4 stars; one submission).

gnomAD v4.1: 1 of 1,614,194 alleles (0.000062%); highest among the groups gnomAD compares: East Asian, 0.0022%; no homozygotes.

Submission:

Labcorp Genetics (formerly Invitae), Labcorp
Classification: Uncertain significance. Last evaluated: 2025-07-07. Review status: criteria provided, single submitter. Criteria: Invitae Variant Classification Sherloc (09022015). Collection method: clinical testing. Allele origin: germline.
Comment: This sequence change replaces asparagine, which is neutral and polar, with lysine, which is basic and polar, at codon 463 of the TULP1 protein (p.Asn463Lys). This variant is not present in population databases (gnomAD no frequency). This variant has not been reported in the literature in individuals affected with TULP1-related conditions. ClinVar contains an entry for this variant (Variation ID: 1497549). Invitae Evidence Modeling of protein sequence and biophysical properties (such as structural, functional, and spatial information, amino acid conservation, physicochemical variation, residue mobility, and thermodynamic stability) indicates that this missense variant is expected to disrupt TULP1 protein function with a positive predictive value of 95%. In summary, the available evidence is currently insufficient to determine the role of this variant in disease. Therefore, it has been classified as a Variant of Uncertain Significance.